The following is an entry in ClinVar:

ClinVar aggregate classification (germline): Conflicting classifications of pathogenicity. Review status: criteria provided, conflicting classifications (1 of 4 stars). 7 submissions from 7 submitters: Uncertain significance (4); Likely benign (1). 2 of the submissions do not count toward it. Last evaluated 2025-12-28.

Conditions:
Hereditary cancer-predisposing syndrome. Also called: Tumor predisposition; Neoplastic Syndromes, Hereditary; Hereditary Cancer Syndrome; Hereditary neoplastic syndrome. Identifiers: Orphanet 140162, MedGen C0027672, MeSH D009386, MONDO:0015356.
Hereditary breast ovarian cancer syndrome. Also called: Hereditary breast and ovarian cancer syndrome (HBOC); Hereditary breast and ovarian cancer syndrome; Hereditary breast and ovarian cancer; Hereditary breast and/or ovarian cancer syndrome; Breast and ovarian cancer; BRCA1- and BRCA2-Associated Hereditary Breast and Ovarian Cancer. Identifiers: Orphanet 145, MedGen C0677776, MeSH D061325, MONDO:0003582. Disease mechanism: loss of function.
Breast-ovarian cancer, familial, susceptibility to, 1 (BROVCA1). Also called: OVARIAN CANCER, SUSCEPTIBILITY TO; BRCA1 Hereditary Breast and Ovarian Cancer. Identifiers: Orphanet 145, MedGen C2676676, MONDO:0011450, OMIM 604370. Disease mechanism: loss of function.

Allele frequency attached by ClinVar (database versions not stated): gnomAD exomes below 0.00001 and 0.00001.
gnomAD v4.1: 3 of 1,614,034 alleles (0.00019%); no homozygotes.

Submissions (8):

Labcorp Genetics (formerly Invitae), Labcorp
Classification: Uncertain significance for Hereditary breast ovarian cancer syndrome. Last evaluated: 2025-12-28. Review status: criteria provided, single submitter. Criteria: Invitae Variant Classification Sherloc (09022015). Collection method: clinical testing. Allele origin: germline.
Comment: This sequence change replaces leucine, which is neutral and non-polar, with valine, which is neutral and non-polar, at codon 87 of the BRCA1 protein (p.Leu87Val). This variant is present in population databases (rs80357091, gnomAD 0.02%). This missense change has been observed in individual(s) with BRCA1-related conditions (PMID: 9333265). This variant is also known as c.378T>G. ClinVar contains an entry for this variant (Variation ID: 54614). Invitae Evidence Modeling incorporating data from in vitro experimental studies (PMID: 30209399) indicates that this missense variant is not expected to disrupt BRCA1 function with a negative predictive value of 95%. Experimental studies have shown that this missense change does not substantially affect BRCA1 function (PMID: 16403807, 25823446, 30209399). In summary, the available evidence is currently insufficient to determine the role of this variant in disease. Therefore, it has been classified as a Variant of Uncertain Significance.

Ambry Genetics
Classification: Likely benign for Hereditary cancer-predisposing syndrome. Last evaluated: 2021-05-20. Review status: criteria provided, single submitter. Criteria: Ambry Variant Classification Scheme 2023. Collection method: clinical testing. Allele origin: germline.

PreventionGenetics, part of Exact Sciences
Classification: Uncertain significance. Last evaluated: 2017-12-27. Review status: criteria provided, single submitter. Criteria: ACMG Guidelines, 2015. Collection method: clinical testing. Allele origin: germline.

GeneDx
Classification: Uncertain significance. Last evaluated: 2017-08-22. Review status: criteria provided, single submitter. Criteria: GeneDx Variant Classification (06012015). Collection method: clinical testing. Allele origin: germline. Affected: yes.
Comment: This variant is denoted BRCA1 c.259T>G at the cDNA level, p.Leu87Val (L87V) at the protein level, and results in the change of a Leucine to a Valine (TTG>GTG). Using alternate nomenclature, this variant would be defined as BRCA1 378T>G. This variant has been observed in individuals with personal and/or family history of breast and/or ovarian cancer (Shattuck-Eidens 1997, Brzovic 2001). In functional assays, BRCA1 Leu87Val did not inhibit BARD1 protein interaction and was able to rescue homology-directed repair comparable to wild type (Morris 2006, Starita 2015). However, results of the variant's effect on ligase activity varied, with Morris et al. (2006) observing no impact on E3 ubiquitin ligase activity while Starita et al. (2015) showed reduced E3 ligase function compared to wild type. Of note, this variant was not associated with splicing defects or exon skipping (Raponi 2011). BRCA1 Leu87Val was not observed in large population cohorts (NHLBI Exome Sequencing Project, The 1000 Genomes Consortium 2015, Lek 2016). Since Leucine and Valine share similar properties, this is considered a conservative amino acid substitution. BRCA1 Leu87Val occurs at a position that is conserved across species and is located in the RING domain and a region known to interact with multiple proteins (Borg 2010, Paul 2014). In silico analyses are inconsistent regarding the effect this variant may have on protein structure and function. Based on currently available evidence, it is unclear whether BRCA1 Leu87Val is a pathogenic or benign variant. We consider it to be a variant of uncertain significance.

Women's Health and Genetics/Laboratory Corporation of America, LabCorp
Classification: Uncertain significance. Last evaluated: 2016-06-08. Review status: criteria provided, single submitter. Criteria: LabCorp Variant Classification Summary - May 2015. Collection method: clinical testing. Allele origin: germline.
Comment: Variant summary: The BRCA1 c.259T>G (p.Leu87Val) variant involves the alteration of a non-conserved nucleotide located in the antiparallel alpha-helices flanking the central RING domain thought to be critical for the proper association of the BRCA1 and BARD1 protein (Brzovic_Nat Struct Biol_2001). 2/4 in silico tools predict a benign outcome for this substitution. The variant is absent in 121322 control chromosomes and to our knowledge, it was not reported in affected patients with strong evidence for pathogenicity either at the time of this classification. A functional study demonstrated the variant to retain homology directed repair activity, the BARD1 and UbcH5a binding of BRCA1, however, conflicting evidence has been reported on its effect on the E3 ubiquitin ligase activity (Starita_Genetics_2015 and Morris_HumMolGenet_2006). Due to the lack of clinical information, this variant is classified as variant of uncertain significance.

Counsyl
Classification: Uncertain significance for Breast-ovarian cancer, familial, susceptibility to, 1. Last evaluated: 2016-02-19. Review status: no assertion criteria provided. Collection method: clinical testing. Allele origin: unknown. Not counted in ClinVar's aggregate classification.

Breast Cancer Information Core (BIC) (BRCA1)
Classification: Uncertain significance for Breast-ovarian cancer, familial 1. Last evaluated: 2004-02-20. Review status: no assertion criteria provided. Collection method: clinical testing. Allele origin: germline. Affected: yes. Observed: 2 variant alleles. Not counted in ClinVar's aggregate classification.

Brotman Baty Institute, University of Washington
No classification provided (evidence only). Condition: Breast-ovarian cancer, familial 1. Review status: no classification provided. Collection method: in vitro. Allele origin: not applicable. Functional consequence: functionally_normal. Not counted in ClinVar's aggregate classification.
ClinVar note: "not provided" was previously submitted as the classification for the variant. However, the classification appeared to be based only on an observation of functional data so it was converted to no classification on 2025-07-30.

Literature cited by the submitters: PubMed 9333265 (cited by 3 submitters); PubMed 30209399 (cited by Labcorp Genetics (formerly Invitae), Labcorp and Ambry Genetics); PubMed 16403807 (cited by 4 submitters); PubMed 25823446 (cited by 4 submitters); PubMed 11573085 (cited by Ambry Genetics and Counsyl); PubMed 15235020 (cited by 3 submitters); PubMed 21309043 (cited by 3 submitters); PubMed 15385441 (cited by Counsyl).

NM_007294.4(BRCA1):c.259T>G (p.Leu87Val)

Gene: BRCA1 (BRCA1 DNA repair associated; minus strand). Cytogenetic location: 17q21.31.
Variant type: single nucleotide variant.
Coding change: c.259T>G on transcript NM_007294.4 (MANE Select); coding-DNA position 259, T replaced by G.
Protein change: p.Leu87Val; replaces leucine 87 with valine.
Molecular consequence: missense variant. On other transcripts: non-coding transcript variant (1).
Genome position (GRCh38, 1-based): chr17:43,104,910, A>C on the plus strand (T>G on the coding strand, the complement: BRCA1 is on the minus strand). VCF-style: chr17-43104910-A-C. GRCh37 (hg19) VCF-style: chr17-41256927-A-C.
Other names: p.L87V:TTG>GTG; c.259T>G, p.Leu87Val (NM_001408442.1, NM_001408443.1, NM_001408444.1 and 168 more transcripts); c.127T>G, p.Leu43Val (NM_001408451.1); c.118T>G, p.Leu40Val (NM_001408452.1, NM_001408453.1, NM_001408454.1 and 99 more transcripts); c.181T>G, p.Leu61Val (NM_001408474.1, NM_001408475.1, NM_001408476.1 and 21 more transcripts); c.49T>G, p.Leu17Val (NM_001408478.1, NM_001408479.1, NM_001408480.1 and 58 more transcripts); c.-123T>G (NM_001408510.1, NM_001408512.1, NM_001407959.1 and 4 more transcripts); short protein forms L87V, L40V, L61V, L43V, L17V.
Identifiers: ClinVar variation 54614 (VCV000054614.22), dbSNP rs80357091, ClinGen allele CA001710.
Genomic context (GRCh38, chr17:43,104,910, plus strand): 5'-GGGATATTCAACACTTACACTCCAAACCTGTGTCAAGCTGAAAAGCACAAATGATTTTCA[A>C]TAGCTCTTCAACAAGTTGACTAAATCTCGTACTTTCTTGTAGGCTCCTGAAATTAAATTG-3'
Protein context (NP_009225.1, residues 77-97): TRFSQLVEEL[Leu87Val]KIICAFQLDT